The following is an entry in ClinVar:

NM_133459.4(CCBE1):c.700A>G (p.Thr234Ala)

Gene: CCBE1 (collagen and calcium binding EGF domains 1; minus strand). Cytogenetic location: 18q21.32.
Variant type: single nucleotide variant.
Coding change: c.700A>G on transcript NM_133459.4 (MANE Select); coding-DNA position 700, A replaced by G.
Protein change: p.Thr234Ala; replaces threonine 234 with alanine.
Molecular consequence: missense variant.
Genome position (GRCh38, 1-based): chr18:59,448,058, T>C on the plus strand (A>G on the coding strand, the complement: CCBE1 is on the minus strand). VCF-style: chr18-59448058-T-C. GRCh37 (hg19) VCF-style: chr18-57115290-T-C.
Other names: short protein forms T234A.
Identifiers: ClinVar variation 2078412 (VCV002078412.27), dbSNP rs140459879, ClinGen allele CA8980360.

ClinVar aggregate classification (germline): Conflicting classifications of pathogenicity. Review status: criteria provided, conflicting classifications (1 of 4 stars). 4 submissions from 4 submitters: Uncertain significance (3); Likely benign (1). Last evaluated 2024-08-07.

Conditions:
Hennekam lymphangiectasia-lymphedema syndrome 1 (HKLLS1). Also called: LYMPHATIC DYSPLASIA, GENERALIZED. Identifiers: Orphanet 2136, MedGen C4012050, MONDO:0009337, OMIM 235510.
Inborn genetic diseases. Identifiers: MedGen C0950123, MeSH D030342.

Allele frequency attached by ClinVar (database versions not stated): gnomAD 0.00025; TOPMed 0.00028; gnomAD exomes 0.00034; ExAC 0.00039; ESP Exome Variant Server 0.00054.
gnomAD v4.1: 529 of 1,614,028 alleles (0.033%); highest among the groups gnomAD compares: Non-Finnish European, 0.04%; 2 homozygotes.

Submissions (4):

ARUP Laboratories, Molecular Genetics and Genomics, ARUP Laboratories
Classification: Uncertain significance for Hennekam lymphangiectasia-lymphedema syndrome 1. Last evaluated: 2024-08-07. Review status: criteria provided, single submitter. Criteria: ARUP Molecular Germline Variant Investigation Process 2024. Collection method: clinical testing. Allele origin: germline.
Comment: The CCBE1 c.700A>G; p.Thr234Ala variant (rs140459879), to our knowledge, is not reported in the medical literature but is reported in ClinVar (Variation ID: 2078412). This variant is found in the general population with an overall allele frequency of 0.03% (84/282,746 alleles) in the Genome Aggregation Database (v2.1.1). Computational analyses predict that this variant is neutral (REVEL: 0.062). However, given the lack of clinical and functional data, the significance of this variant is uncertain at this time.

CeGaT Center for Human Genetics Tuebingen
Classification: Likely benign. Last evaluated: 2024-02-01. Review status: criteria provided, single submitter. Criteria: CeGaT Center For Human Genetics Tuebingen Variant Classification Criteria Version 2. Collection method: clinical testing. Allele origin: germline. Affected: yes. Observed: 4 variant alleles.
Comment: CCBE1: BP4

Labcorp Genetics (formerly Invitae), Labcorp
Classification: Uncertain significance. Last evaluated: 2022-10-24. Review status: criteria provided, single submitter. Criteria: Invitae Variant Classification Sherloc (09022015). Collection method: clinical testing. Allele origin: germline.
Comment: This sequence change replaces threonine, which is neutral and polar, with alanine, which is neutral and non-polar, at codon 234 of the CCBE1 protein (p.Thr234Ala). This variant is present in population databases (rs140459879, gnomAD 0.05%). This variant has not been reported in the literature in individuals affected with CCBE1-related conditions. Advanced modeling of protein sequence and biophysical properties (such as structural, functional, and spatial information, amino acid conservation, physicochemical variation, residue mobility, and thermodynamic stability) performed at Invitae indicates that this missense variant is not expected to disrupt CCBE1 protein function. In summary, the available evidence is currently insufficient to determine the role of this variant in disease. Therefore, it has been classified as a Variant of Uncertain Significance.

Ambry Genetics
Classification: Uncertain significance for Inborn genetic diseases. Last evaluated: 2022-01-21. Review status: criteria provided, single submitter. Criteria: Ambry Variant Classification Scheme 2023. Collection method: clinical testing. Allele origin: germline.